The following is an entry in ClinVar:

ClinVar aggregate classification (germline): Uncertain significance (1 of 4 stars; one submission).

Conditions:
Ataxia-telangiectasia syndrome (AT). Also called: Cerebello-oculocutaneous telangiectasia; Immunodeficiency with ataxia telangiectasia; AT, COMPLEMENTATION GROUP C; Ataxia-telangiectasia; Ataxia-telangiectasia, complementation group E; Ataxia telangiectasia (A-T). Identifiers: Orphanet 100, MedGen C0004135, MONDO:0008840, OMIM 208900.

Submission:

Labcorp Genetics (formerly Invitae), Labcorp
Classification: Uncertain significance for Ataxia-telangiectasia syndrome. Last evaluated: 2022-01-17. Review status: criteria provided, single submitter. Criteria: Invitae Variant Classification Sherloc (09022015). Collection method: clinical testing. Allele origin: germline.
Comment: This sequence change replaces alanine, which is neutral and non-polar, with glycine, which is neutral and non-polar, at codon 736 of the ATM protein (p.Ala736Gly). This variant is not present in population databases (gnomAD no frequency). This variant has not been reported in the literature in individuals affected with ATM-related conditions. Advanced modeling of protein sequence and biophysical properties (such as structural, functional, and spatial information, amino acid conservation, physicochemical variation, residue mobility, and thermodynamic stability) performed at Invitae indicates that this missense variant is not expected to disrupt ATM protein function. Algorithms developed to predict the effect of sequence changes on RNA splicing suggest that this variant may create or strengthen a splice site. In summary, the available evidence is currently insufficient to determine the role of this variant in disease. Therefore, it has been classified as a Variant of Uncertain Significance.

NM_000051.4(ATM):c.2207C>G (p.Ala736Gly)

Gene: ATM (ATM serine/threonine kinase; plus strand). Cytogenetic location: 11q22.3.
Variant type: single nucleotide variant.
Coding change: c.2207C>G on transcript NM_000051.4 (MANE Select); coding-DNA position 2207, C replaced by G.
Protein change: p.Ala736Gly; replaces alanine 736 with glycine.
Molecular consequence: missense variant.
Genome position (GRCh38, 1-based): chr11:108,256,297, C>G. VCF-style: chr11-108256297-C-G. GRCh37 (hg19) VCF-style: chr11-108127024-C-G.
Other names: c.2207C>G, p.Ala736Gly (NM_001351834.2); short protein forms A736G.
Identifiers: ClinVar variation 2086236 (VCV002086236.4), dbSNP rs587780617, ClinGen allele CA382539025.